The following is an entry in ClinVar:

NM_001037.5(SCN1B):c.641T>C (p.Val214Ala)

Gene: SCN1B (sodium voltage-gated channel beta subunit 1; plus strand). Cytogenetic location: 19q13.11.
Variant type: single nucleotide variant.
Coding change: c.641T>C on transcript NM_001037.5 (MANE Select); coding-DNA position 641, T replaced by C.
Protein change: p.Val214Ala; replaces valine 214 with alanine.
Molecular consequence: missense variant.
Genome position (GRCh38, 1-based): chr19:35,039,685, T>C. VCF-style: chr19-35039685-T-C. GRCh37 (hg19) VCF-style: chr19-35530589-T-C.
Other names: c.542T>C, p.Val181Ala (NM_001321605.2); short protein forms V181A, V214A.
Identifiers: ClinVar variation 1753432 (VCV001753432.2), dbSNP rs2514242215, ClinGen allele CA405330318.

ClinVar aggregate classification (germline): Uncertain significance (1 of 4 stars; one submission).

Conditions:
Cardiovascular phenotype. Identifiers: MedGen CN230736.

Allele frequency attached by ClinVar (database versions not stated): gnomAD exomes below 0.00001.
gnomAD v4.1: 2 of 1,614,114 alleles (0.00012%); highest among the groups gnomAD compares: Non-Finnish European, 0.00017%; no homozygotes.

Submission:

Ambry Genetics
Classification: Uncertain significance for Cardiovascular phenotype. Last evaluated: 2022-10-03. Review status: criteria provided, single submitter. Criteria: Ambry Variant Classification Scheme 2023. Collection method: clinical testing. Allele origin: germline.
Comment: The p.V214A variant (also known as c.641T>C), located in coding exon 5 of the SCN1B gene, results from a T to C substitution at nucleotide position 641. The valine at codon 214 is replaced by alanine, an amino acid with similar properties. This amino acid position is conserved. In addition, the in silico prediction for this alteration is inconclusive. Since supporting evidence is limited at this time, the clinical significance of this alteration remains unclear.